The following is an entry in ClinVar:

ClinVar aggregate classification (germline): Uncertain significance. Review status: criteria provided, multiple submitters, no conflicts (2 of 4 stars). 2 submissions from 2 submitters: Uncertain significance (2). Last evaluated 2024-05-15.

Allele frequency attached by ClinVar (database versions not stated): gnomAD exomes below 0.00001; ExAC 0.00001.
gnomAD v4.1: 4 of 1,613,348 alleles (0.00025%); highest among the groups gnomAD compares: Admixed American, 0.0017%; no homozygotes.

Submissions (2):

Labcorp Genetics (formerly Invitae), Labcorp
Classification: Uncertain significance. Last evaluated: 2024-05-15. Review status: criteria provided, single submitter. Criteria: Invitae Variant Classification Sherloc (09022015). Collection method: clinical testing. Allele origin: germline.
Comment: This sequence change replaces arginine, which is basic and polar, with glutamine, which is neutral and polar, at codon 632 of the NALCN protein (p.Arg632Gln). This variant is present in population databases (rs774880252, gnomAD 0.003%). This variant has not been reported in the literature in individuals affected with NALCN-related conditions. ClinVar contains an entry for this variant (Variation ID: 1302219). Advanced modeling of protein sequence and biophysical properties (such as structural, functional, and spatial information, amino acid conservation, physicochemical variation, residue mobility, and thermodynamic stability) performed at Invitae indicates that this missense variant is not expected to disrupt NALCN protein function with a negative predictive value of 80%. In summary, the available evidence is currently insufficient to determine the role of this variant in disease. Therefore, it has been classified as a Variant of Uncertain Significance.

GeneDx
Classification: Uncertain significance. Last evaluated: 2019-05-09. Review status: criteria provided, single submitter. Criteria: GeneDx Variant Classification Process June 2021. Collection method: clinical testing. Allele origin: germline. Affected: yes.
Comment: In silico analysis, which includes protein predictors and evolutionary conservation, supports a deleterious effect; Has not been previously published as pathogenic or benign to our knowledge

NM_052867.4(NALCN):c.1895G>A (p.Arg632Gln)

Gene: NALCN (sodium leak channel, non-selective; minus strand). Cytogenetic location: 13q33.1.
Variant type: single nucleotide variant.
Coding change: c.1895G>A on transcript NM_052867.4 (MANE Select); coding-DNA position 1895, G replaced by A.
Protein change: p.Arg632Gln; replaces arginine 632 with glutamine.
Molecular consequence: missense variant.
Genome position (GRCh38, 1-based): chr13:101,144,841, C>T on the plus strand (G>A on the coding strand, the complement: NALCN is on the minus strand). VCF-style: chr13-101144841-C-T. GRCh37 (hg19) VCF-style: chr13-101797192-C-T.
Other names: c.1895G>A, p.Arg632Gln (NM_001350748.2, NM_001350749.2); c.1808G>A, p.Arg603Gln (NM_001350750.2, NM_001350751.2); short protein forms R603Q, R632Q.
Identifiers: ClinVar variation 1302219 (VCV001302219.5), dbSNP rs774880252, ClinGen allele CA7036025.
Genomic context (GRCh38, chr13:101,144,841, plus strand): 5'-TCTGAAGGAAGCTTTGAGATTTTCACCATTTGAGGTCTGTTTGGAAATTTTTCAAAGATT[C>T]GCAGGCGTAAAGGGAGCTTTTCTTTGGTGTCCGCATTTGCTTCACTTTGCTTTAACTAAA-3'
Protein context (NP_443099.1, residues 622-642): DTKEKLPLRL[Arg632Gln]IFEKFPNRPQ